The following is an entry in ClinVar:

NM_001048174.2(MUTYH):c.530C>T (p.Ala177Val)

Gene: MUTYH (mutY DNA glycosylase; minus strand). Cytogenetic location: 1p34.1.
Variant type: single nucleotide variant.
Coding change: c.530C>T on transcript NM_001048174.2 (MANE Select); coding-DNA position 530, C replaced by T.
Protein change: p.Ala177Val; replaces alanine 177 with valine.
Molecular consequence: missense variant. On other transcripts: non-coding transcript variant (2).
Genome position (GRCh38, 1-based): chr1:45,332,650, G>A on the plus strand (C>T on the coding strand, the complement: MUTYH is on the minus strand). VCF-style: chr1-45332650-G-A. GRCh37 (hg19) VCF-style: chr1-45798322-G-A.
Other names: c.530C>T, p.Ala177Val (NM_001048171.2, NM_001048173.2, NM_001293195.2); c.533C>T, p.Ala178Val (NM_001048172.2); c.605C>T, p.Ala202Val (NM_012222.3); c.614C>T, p.Ala205Val (NM_001128425.2); c.575C>T, p.Ala192Val (NM_001293190.2); c.563C>T, p.Ala188Val (NM_001293191.2); c.254C>T, p.Ala85Val (NM_001293192.2, NM_001293196.2); c.185C>T, p.Ala62Val (NM_001350650.2, NM_001350651.2); short protein forms A177V, A178V, A188V, A192V, A202V, A205V, A62V, A85V.
Identifiers: ClinVar variation 1331917 (VCV001331917.13), dbSNP rs2149151820, ClinGen allele CA340135397.

ClinVar aggregate classification (germline): Conflicting classifications of pathogenicity. Review status: criteria provided, conflicting classifications (1 of 4 stars). 3 submissions from 3 submitters: Uncertain significance (2); Likely benign (1). Last evaluated 2025-09-17.

Conditions:
Familial adenomatous polyposis 2. Also called: MYH-associated polyposis; FAP type 2; MUTYH-associated polyposis; MUTYH-related attenuated familial adenomatous polyposis; Adenomas, multiple colorectal; COLORECTAL ADENOMATOUS POLYPOSIS, AUTOSOMAL RECESSIVE. Identifiers: Orphanet 220460, Orphanet 247798, MedGen C3272841, MONDO:0012041, OMIM 608456.
Hereditary cancer-predisposing syndrome. Also called: Neoplastic Syndromes, Hereditary; Tumor predisposition; Hereditary Cancer Syndrome; Hereditary neoplastic syndrome. Identifiers: Orphanet 140162, MedGen C0027672, MeSH D009386, MONDO:0015356.

Submissions (3):

Ambry Genetics
Classification: Likely benign for Hereditary cancer-predisposing syndrome. Last evaluated: 2025-09-17. Review status: criteria provided, single submitter. Criteria: Ambry Variant Classification Scheme 2023. Collection method: clinical testing. Allele origin: germline.

Color Diagnostics, LLC DBA Color Health
Classification: Uncertain significance for Hereditary cancer-predisposing syndrome. Last evaluated: 2024-03-06. Review status: criteria provided, single submitter. Criteria: ACMG Guidelines, 2015. Collection method: clinical testing. Allele origin: germline.
Comment: This missense variant replaces alanine with valine at codon 205 of the MUTYH protein. Computational prediction suggests that this variant may not impact protein structure and function (internally defined REVEL score threshold <= 0.5, PMID: 27666373). To our knowledge, functional studies have not been reported for this variant. This variant has not been reported in individuals affected with hereditary cancer in the literature. This variant has not been identified in the general population by the Genome Aggregation Database (gnomAD). The available evidence is insufficient to determine the role of this variant in disease conclusively. Therefore, this variant is classified as a Variant of Uncertain Significance.

Labcorp Genetics (formerly Invitae), Labcorp
Classification: Uncertain significance for Familial adenomatous polyposis 2. Last evaluated: 2023-11-27. Review status: criteria provided, single submitter. Criteria: Invitae Variant Classification Sherloc (09022015). Collection method: clinical testing. Allele origin: germline.
Comment: This sequence change replaces alanine, which is neutral and non-polar, with valine, which is neutral and non-polar, at codon 205 of the MUTYH protein (p.Ala205Val). This variant is not present in population databases (gnomAD no frequency). This variant has not been reported in the literature in individuals affected with MUTYH-related conditions. ClinVar contains an entry for this variant (Variation ID: 1331917). An algorithm developed to predict the effect of missense changes on protein structure and function (PolyPhen-2) suggests that this variant is likely to be disruptive. In summary, the available evidence is currently insufficient to determine the role of this variant in disease. Therefore, it has been classified as a Variant of Uncertain Significance.